The following is an entry in ClinVar:

NM_004655.4(AXIN2):c.1059+9A>G

Gene: AXIN2 (axin 2; minus strand). Cytogenetic location: 17q24.1.
Variant type: single nucleotide variant.
Coding change: c.1059+9A>G on transcript NM_004655.4 (MANE Select); 9 bases into the intron after coding-DNA position 1059, A replaced by G.
Molecular consequence: intron variant.
Genome position (GRCh38, 1-based): chr17:65,541,446, T>C on the plus strand (A>G on the coding strand, the complement: AXIN2 is on the minus strand). VCF-style: chr17-65541446-T-C. GRCh37 (hg19) VCF-style: chr17-63537564-T-C.
Other names: c.1059+9A>G (NM_001363813.1).
Identifiers: ClinVar variation 1602222 (VCV001602222.9), dbSNP rs373797672, ClinGen allele CA8718893.
Genomic context (GRCh38, chr17:65,541,446, plus strand): 5'-ACCCATTTCTTTTCTTTAGGACTCAACATGGCAGAAAACAGCTGTCTCCTCACTCCAGAC[T>C]GTACTCACCGGGAAATGAGGTAGAGACACTTGGCCATTGGCCTTCACACTGCGATGCATT-3'

ClinVar aggregate classification (germline): Likely benign. Review status: criteria provided, multiple submitters, no conflicts (2 of 4 stars). 2 submissions from 2 submitters: Likely benign (2). Last evaluated 2024-07-01.

Conditions:
Oligodontia-cancer predisposition syndrome. Also called: TOOTH AGENESIS-COLORECTAL CANCER SYNDROME. Identifiers: Orphanet 300576, MedGen C1837750, MONDO:0012075, OMIM 608615. Disease mechanism: loss of function.

Allele frequency attached by ClinVar (database versions not stated): gnomAD exomes below 0.00001; gnomAD 0.00001.

Submissions (2):

Myriad Genetics, Inc.
Classification: Likely benign for Oligodontia-cancer predisposition syndrome. Last evaluated: 2024-07-01. Review status: criteria provided, single submitter. Criteria: Myriad Autosomal Dominant, Autosomal Recessive and X-Linked Classification Criteria (2023). Collection method: clinical testing. Allele origin: unknown.
Comment: This variant is considered likely benign. This variant is intronic and is not expected to impact mRNA splicing.

Labcorp Genetics (formerly Invitae), Labcorp
Classification: Likely benign for Oligodontia-cancer predisposition syndrome. Last evaluated: 2022-01-12. Review status: criteria provided, single submitter. Criteria: Invitae Variant Classification Sherloc (09022015). Collection method: clinical testing. Allele origin: germline.